The following is an entry in ClinVar:

NM_003560.4(PLA2G6):c.895A>G (p.Met299Val)

Gene: PLA2G6 (phospholipase A2 group VI; minus strand). Cytogenetic location: 22q13.1.
Variant type: single nucleotide variant.
Coding change: c.895A>G on transcript NM_003560.4 (MANE Select); coding-DNA position 895, A replaced by G.
Protein change: p.Met299Val; replaces methionine 299 with valine.
Molecular consequence: missense variant.
Genome position (GRCh38, 1-based): chr22:38,133,013, T>C on the plus strand (A>G on the coding strand, the complement: PLA2G6 is on the minus strand). VCF-style: chr22-38133013-T-C. GRCh37 (hg19) VCF-style: chr22-38529020-T-C.
Other names: c.895A>G, p.Met299Val (NM_001004426.3, NM_001199562.3, NM_001349864.2 and 2 more transcripts); c.361A>G, p.Met121Val (NM_001349867.2, NM_001349869.2); c.217A>G, p.Met73Val (NM_001349868.2); short protein forms M121V, M73V, M299V.
Identifiers: ClinVar variation 2007090 (VCV002007090.1), dbSNP rs1367400071, ClinGen allele CA411530977.
Genomic context (GRCh38, chr22:38,133,013, plus strand): 5'-TGTTCCCCGCGGAGCTGGTGCTGTTCACGTTGCAGCCCCGTTTCAGCAGCATGCGGGCCA[T>C]CTGCGGGAGACGGTCAGGCTGAGTTAGCACAGGCACTCGGGGAGCTGCCGCACCCCGGGA-3'
Protein context (NP_003551.2, residues 289-309): SPLHWAKNAE[Met299Val]ARMLLKRGCN

ClinVar aggregate classification (germline): Uncertain significance (1 of 4 stars; one submission).

Conditions:
Infantile neuroaxonal dystrophy (NBIA2A). Also called: NEURODEGENERATION WITH BRAIN IRON ACCUMULATION 2A; SEITELBERGER DISEASE; Infantile neuroaxonal dystrophy 1. Identifiers: Orphanet 35069, MedGen C0270724, MONDO:0024457, OMIM 256600.

Allele frequency attached by ClinVar (database versions not stated): TOPMed below 0.00001.

Submission:

Labcorp Genetics (formerly Invitae), Labcorp
Classification: Uncertain significance for Infantile neuroaxonal dystrophy. Last evaluated: 2022-06-15. Review status: criteria provided, single submitter. Criteria: Invitae Variant Classification Sherloc (09022015). Collection method: clinical testing. Allele origin: germline.
Comment: This sequence change replaces methionine, which is neutral and non-polar, with valine, which is neutral and non-polar, at codon 299 of the PLA2G6 protein (p.Met299Val). This variant is not present in population databases (gnomAD no frequency). This variant has not been reported in the literature in individuals affected with PLA2G6-related conditions. Algorithms developed to predict the effect of missense changes on protein structure and function are either unavailable or do not agree on the potential impact of this missense change (SIFT: "Tolerated"; PolyPhen-2: "Possibly Damaging"; Align-GVGD: "Class C0"). In summary, the available evidence is currently insufficient to determine the role of this variant in disease. Therefore, it has been classified as a Variant of Uncertain Significance.